The following is an entry in ClinVar:

NM_006953.4(UPK3A):c.356T>G (p.Ile119Ser)

Gene: UPK3A (uroplakin 3A; plus strand). Cytogenetic location: 22q13.31.
Variant type: single nucleotide variant.
Coding change: c.356T>G on transcript NM_006953.4 (MANE Select); coding-DNA position 356, T replaced by G.
Protein change: p.Ile119Ser; replaces isoleucine 119 with serine.
Molecular consequence: missense variant. On other transcripts: intron variant (1).
Genome position (GRCh38, 1-based): chr22:45,287,319, T>G. VCF-style: chr22-45287319-T-G. GRCh37 (hg19) VCF-style: chr22-45683200-T-G.
Other names: c.208+1223T>G (NM_001167574.2); short protein forms I119S.
Identifiers: ClinVar variation 2631860 (VCV002631860.2), dbSNP rs150598171, ClinGen allele CA10284356.

ClinVar aggregate classification (germline): Uncertain significance. Review status: criteria provided, multiple submitters, no conflicts (2 of 4 stars). 2 submissions from 2 submitters: Uncertain significance (2). Last evaluated 2024-10-16.

Conditions:
UPK3A-related disorder. Also called: UPK3A-related condition.

gnomAD v4.1: 22 of 1,614,090 alleles (0.0014%); highest among the groups gnomAD compares: Non-Finnish European, 0.0018%; no homozygotes.

Submissions (2):

Ambry Genetics
Classification: Uncertain significance. Last evaluated: 2024-10-16. Review status: criteria provided, single submitter. Criteria: Ambry Variant Classification Scheme 2023. Collection method: clinical testing. Allele origin: germline.

PreventionGenetics, part of Exact Sciences
Classification: Uncertain significance for UPK3A-related condition. Last evaluated: 2022-09-19. Review status: criteria provided, single submitter. Criteria: ACMG Guidelines, 2015. Collection method: clinical testing. Allele origin: germline.
Comment: The UPK3A c.356T>G variant is predicted to result in the amino acid substitution p.Ile119Ser. To our knowledge, this variant has not been reported in the literature. This variant is reported in 0.0018% of alleles in individuals of European (Non-Finnish) descent in gnomAD. At this time, the clinical significance of this variant is uncertain due to the absence of conclusive functional and genetic evidence.